The following is an entry in ClinVar:

NM_015915.5(ATL1):c.1336C>G (p.Arg446Gly)

Gene: ATL1 (atlastin GTPase 1; plus strand). Cytogenetic location: 14q22.1.
Variant type: single nucleotide variant.
Coding change: c.1336C>G on transcript NM_015915.5 (MANE Select); coding-DNA position 1336, C replaced by G.
Protein change: p.Arg446Gly; replaces arginine 446 with glycine.
Molecular consequence: missense variant.
Genome position (GRCh38, 1-based): chr14:50,628,247, C>G. VCF-style: chr14-50628247-C-G. GRCh37 (hg19) VCF-style: chr14-51094965-C-G.
Other names: c.1336C>G, p.Arg446Gly (NM_001127713.1, NM_181598.4); short protein forms R446G.
Identifiers: ClinVar variation 4754939 (VCV004754939.1).
Genomic context (GRCh38, chr14:50,628,247, plus strand): 5'-GATGAACTTTACATCCAATATATCAAGCACAATGATAGCAAAAATATCTTCCATGCAGCT[C>G]GTACCCCAGCCACACTGTTTGTAGTCATCTTTATCACATATGTGATTGCTGGTGTGACTG-3'
Protein context (NP_056999.2, residues 436-456): NDSKNIFHAA[Arg446Gly]TPATLFVVIF

ClinVar aggregate classification (germline): Uncertain significance (1 of 4 stars; one submission).

Conditions:
Hereditary spastic paraplegia 3A (SPG3A). Also called: SPASTIC PARAPLEGIA 3, AUTOSOMAL DOMINANT; FAMILIAL SPASTIC PARAPLEGIA, AUTOSOMAL DOMINANT, 1; SPG3; STRUMPELL DISEASE; Spastic Paraplegia 3A; Spastic paraplegia 3A, autosomal dominant. Identifiers: Orphanet 100984, MedGen C2931355, MONDO:0008437, OMIM 182600.

Submission:

Labcorp Genetics (formerly Invitae), Labcorp
Classification: Uncertain significance for Hereditary spastic paraplegia 3A. Last evaluated: 2025-08-31. Review status: criteria provided, single submitter. Criteria: Invitae Variant Classification Sherloc (09022015). Collection method: clinical testing. Allele origin: germline.
Comment: This sequence change replaces arginine, which is basic and polar, with glycine, which is neutral and non-polar, at codon 446 of the ATL1 protein (p.Arg446Gly). This variant is not present in population databases (gnomAD no frequency). This missense change has been observed in individual(s) with clinical features of autosomal recessive hereditary spastic paraplegia (internal data). Invitae Evidence Modeling of protein sequence and biophysical properties (such as structural, functional, and spatial information, amino acid conservation, physicochemical variation, residue mobility, and thermodynamic stability) has been performed for this missense variant. However, the output from this modeling did not meet the statistical confidence thresholds required to predict the impact of this variant on ATL1 protein function. In summary, the available evidence is currently insufficient to determine the role of this variant in disease. Therefore, it has been classified as a Variant of Uncertain Significance.